The following is an entry in ClinVar:

NM_000492.4(CFTR):c.1802T>C (p.Ile601Thr)

Gene: CFTR (CF transmembrane conductance regulator; plus strand). Cytogenetic location: 7q31.2.
Variant type: single nucleotide variant.
Coding change: c.1802T>C on transcript NM_000492.4 (MANE Select); coding-DNA position 1802, T replaced by C.
Protein change: p.Ile601Thr; replaces isoleucine 601 with threonine.
Molecular consequence: missense variant.
Genome position (GRCh38, 1-based): chr7:117,591,969, T>C. VCF-style: chr7-117591969-T-C. GRCh37 (hg19) VCF-style: chr7-117232023-T-C.
Other names: p. Ile601Thr; short protein forms I601T.
Identifiers: ClinVar variation 53392 (VCV000053392.3), dbSNP rs397508307, ClinGen allele CA326682.
Genomic context (GRCh38, chr7:117,591,969, plus strand): 5'-ATTTATATGTTTTTATATCTTAAAGCTGTGTCTGTAAACTGATGGCTAACAAAACTAGGA[T>C]TTTGGTCACTTCTAAAATGGAACATTTAAAGAAAGCTGACAAAATATTAATTTTGCATGA-3'
Protein context (NP_000483.3, residues 591-611): VCKLMANKTR[Ile601Thr]LVTSKMEHLK

ClinVar aggregate classification (germline): Likely pathogenic. Review status: criteria provided, multiple submitters, no conflicts (2 of 4 stars). 3 submissions from 3 submitters: Likely pathogenic (2). 1 of the submissions does not count toward it. Last evaluated 2024-08-01.

Conditions:
CFTR-related disorder (CFTR-RD). Also called: CFTR-related disorders; CFTR-related condition. Identifiers: MedGen C5924204, MONDO:7770004.
Cystic fibrosis (CF). Also called: MUCOVISCIDOSIS. Identifiers: Orphanet 586, MedGen C0010674, MONDO:0009061, OMIM 219700. Disease mechanism: loss of function.

Submissions (3):

Natera, Inc.
Classification: Likely pathogenic for CFTR-related disorders. Last evaluated: 2024-08-01. Review status: criteria provided, single submitter. Criteria: Natera Variant Classification Schema (03/2026). Collection method: clinical testing. Allele origin: germline.
Comment: The c.1802T>C variant in CFTR is a missense variant predicted to cause substitution of isoleucine to threonine at amino acid 601. This variant is rare in the general population with a frequency below the threshold expected for the associated phenotype(s). This variant has been observed in one or more individuals affected with the associated recessive disease, as either homozygous or compound heterozygous with a second variant (PMID: 16596947, 38966678). A different variant at the same position has been determined to be Pathogenic or Likely Pathogenic. Computational prediction algorithms indicate this variant is likely to affect gene or protein function. Given the available evidence, this variant is classified as Likely Pathogenic.

Medical Genetics, Christian Medical College
Classification: Likely pathogenic for Cystic fibrosis. Review status: criteria provided, single submitter. Criteria: ACMG Guidelines, 2015. Collection method: clinical testing. Allele origin: germline. Inheritance: Autosomal recessive inheritance. Affected: yes.
Comment: In a cohort of Clinically confirmed CF cases we identifed 8 alleles where 3 were homozygous and 2 compound heterozygous with other disease causing variant.

ClinVar Staff, National Center for Biotechnology Information (NCBI)
No classification provided. Condition: CFTR-related disorders. Review status: no classification provided. Collection method: literature only. Allele origin: germline. Affected: yes. Not counted in ClinVar's aggregate classification.

Literature cited by the submitters: PubMed 16596947 (cited by Natera, Inc. and ClinVar Staff, National Center for Biotechnology Information (NCBI)); PubMed 38966678 (cited by Natera, Inc. and Medical Genetics, Christian Medical College); PubMed 38501349 (cited by Medical Genetics, Christian Medical College).